The following is an entry in ClinVar:

NM_001267550.2(TTN):c.66760G>A (p.Asp22254Asn)

Genes: TTN (titin; minus strand), TTN-AS1 (TTN antisense RNA 1; plus strand). Cytogenetic location: 2q31.2.
Variant type: single nucleotide variant.
Coding change: c.66760G>A on transcript NM_001267550.2 (MANE Select); coding-DNA position 66760, G replaced by A.
Protein change: p.Asp22254Asn; replaces aspartic acid 22254 with asparagine.
Molecular consequence: missense variant.
Genome position (GRCh38, 1-based): chr2:178,581,508, C>T on the plus strand (G>A on the coding strand, the complement: TTN is on the minus strand). VCF-style: chr2-178581508-C-T. GRCh37 (hg19) VCF-style: chr2-179446235-C-T.
Other names: c.61837G>A, p.Asp20613Asn (NM_001256850.1); c.39565G>A, p.Asp13189Asn (NM_003319.4); c.59056G>A, p.Asp19686Asn (NM_133378.4); c.39940G>A, p.Asp13314Asn (NM_133432.3); c.40141G>A, p.Asp13381Asn (NM_133437.4); short protein forms D20613N, D22254N, D13189N, D13314N, D19686N, D13381N.
Identifiers: ClinVar variation 1736471 (VCV001736471.2), dbSNP rs756359190, ClinGen allele CA1991452.

ClinVar aggregate classification (germline): Uncertain significance (1 of 4 stars; one submission).

Conditions:
Cardiovascular phenotype. Identifiers: MedGen CN230736.

Allele frequency attached by ClinVar (database versions not stated): gnomAD exomes below 0.00001; ExAC 0.00001; gnomAD 0.00001; TOPMed 0.00001.
gnomAD v4.1: 3 of 1,595,892 alleles (0.00019%); highest among the groups gnomAD compares: African/African-American, 0.0013%; no homozygotes.

Submission:

Ambry Genetics
Classification: Uncertain significance for Cardiovascular phenotype. Last evaluated: 2019-11-08. Review status: criteria provided, single submitter. Criteria: Ambry Variant Classification Scheme 2023. Collection method: clinical testing. Allele origin: germline.
Comment: The p.D13189N variant (also known as c.39565G>A), located in coding exon 143 of the TTN gene, results from a G to A substitution at nucleotide position 39565. The aspartic acid at codon 13189 is replaced by asparagine, an amino acid with highly similar properties. This amino acid position is highly conserved in available vertebrate species. In addition, this alteration is predicted to be tolerated by in silico analysis. Since supporting evidence is limited at this time, the clinical significance of this alteration remains unclear.